The following is an entry in ClinVar:

ClinVar aggregate classification (germline): Uncertain significance (1 of 4 stars; one submission).

Conditions:
Temtamy preaxial brachydactyly syndrome (TPBS). Identifiers: Orphanet 363417, MedGen C1854466, MONDO:0011533, OMIM 605282.

Submission:

Labcorp Genetics (formerly Invitae), Labcorp
Classification: Uncertain significance for Temtamy preaxial brachydactyly syndrome. Last evaluated: 2022-11-22. Review status: criteria provided, single submitter. Criteria: Invitae Variant Classification Sherloc (09022015). Collection method: clinical testing. Allele origin: germline.
Comment: In summary, the available evidence is currently insufficient to determine the role of this variant in disease. Therefore, it has been classified as a Variant of Uncertain Significance. Algorithms developed to predict the effect of missense changes on protein structure and function (SIFT, PolyPhen-2, Align-GVGD) all suggest that this variant is likely to be tolerated. ClinVar contains an entry for this variant (Variation ID: 1042559). This variant has not been reported in the literature in individuals affected with CHSY1-related conditions. This variant is not present in population databases (gnomAD no frequency). This sequence change replaces serine, which is neutral and polar, with glycine, which is neutral and non-polar, at codon 317 of the CHSY1 protein (p.Ser317Gly).

NM_014918.5(CHSY1):c.949A>G (p.Ser317Gly)

Gene: CHSY1 (chondroitin sulfate synthase 1; minus strand). Cytogenetic location: 15q26.3.
Variant type: single nucleotide variant.
Coding change: c.949A>G on transcript NM_014918.5 (MANE Select); coding-DNA position 949, A replaced by G.
Protein change: p.Ser317Gly; replaces serine 317 with glycine.
Molecular consequence: missense variant.
Genome position (GRCh38, 1-based): chr15:101,178,848, T>C on the plus strand (A>G on the coding strand, the complement: CHSY1 is on the minus strand). VCF-style: chr15-101178848-T-C. GRCh37 (hg19) VCF-style: chr15-101719053-T-C.
Other names: short protein forms S317G.
Identifiers: ClinVar variation 1042559 (VCV001042559.8), dbSNP rs2038235884, ClinGen allele CA393963529.